The following is an entry in ClinVar:

ClinVar aggregate classification (germline): Conflicting classifications of pathogenicity. Review status: criteria provided, conflicting classifications (1 of 4 stars). 2 submissions from 2 submitters: Uncertain significance (1); Likely benign (1). Last evaluated 2025-09-18.

Conditions:
CHD7-related disorder. Also called: CHD7-related condition.
CHARGE syndrome (CHARGE). Also called: Hittner Hirsch Kreh syndrome; CHARGE ASSOCIATION--COLOBOMA, HEART ANOMALY, CHOANAL ATRESIA, RETARDATION, GENITAL AND EAR ANOMALIES; Coloboma, heart anomaly, choanal atresia, retardation, genital and ear anomalies; CHARGE association; Hall-Hittner syndrome. Identifiers: Orphanet 138, MedGen C0265354, MONDO:0008965.

Submissions (2):

PreventionGenetics, part of Exact Sciences
Classification: Uncertain significance for CHD7-related condition. Last evaluated: 2025-09-18. Review status: criteria provided, single submitter. Criteria: ACMG Guidelines, 2015. Collection method: clinical testing. Allele origin: germline.
Comment: The CHD7 c.2480A>G variant is predicted to result in the amino acid substitution p.Tyr827Cys. To our knowledge, this variant has not been reported in the literature. This variant is reported in 0.010% of alleles in individuals of Ashkenazi Jewish descent in gnomAD. At this time, the clinical significance of this variant is uncertain due to the absence of conclusive functional and genetic evidence.

Labcorp Genetics (formerly Invitae), Labcorp
Classification: Likely benign for CHARGE syndrome. Last evaluated: 2024-10-19. Review status: criteria provided, single submitter. Criteria: Invitae Variant Classification Sherloc (09022015). Collection method: clinical testing. Allele origin: germline.

NM_017780.4(CHD7):c.2480A>G (p.Tyr827Cys)

Gene: CHD7 (chromodomain helicase DNA binding protein 7; plus strand). Cytogenetic location: 8q12.2.
Variant type: single nucleotide variant.
Coding change: c.2480A>G on transcript NM_017780.4 (MANE Select); coding-DNA position 2480, A replaced by G.
Protein change: p.Tyr827Cys; replaces tyrosine 827 with cysteine.
Molecular consequence: missense variant. On other transcripts: intron variant (1).
Genome position (GRCh38, 1-based): chr8:60,808,254, A>G. VCF-style: chr8-60808254-A-G. GRCh37 (hg19) VCF-style: chr8-61720813-A-G.
Other names: c.2480A>G (NM_017780.3); c.1716+27204A>G (NM_001316690.1); short protein forms Y827C.
Identifiers: ClinVar variation 3666172 (VCV003666172.3).